The following is an entry in ClinVar:

NM_001142279.2(RNASEH2B):c.741+9997G>A

Gene: RNASEH2B (ribonuclease H2 subunit B; plus strand). Cytogenetic location: 13q14.3.
Variant type: single nucleotide variant.
Coding change: c.741+9997G>A on transcript NM_001142279.2; 9997 bases into the intron after coding-DNA position 741, G replaced by A.
Molecular consequence: intron variant.
Genome position (GRCh38, 1-based): chr13:50,959,502, G>A. VCF-style: chr13-50959502-G-A. GRCh37 (hg19) VCF-style: chr13-51533638-G-A.
Other names: c.742-643G>A (NM_001411023.1).
Identifiers: ClinVar variation 3027043 (VCV003027043.20), dbSNP rs2541552736, ClinGen allele CA2623063719.
Genomic context (GRCh38, chr13:50,959,502, plus strand): 5'-ATGTTTTTGGTTCTTTTTTGTTTTTTTTTTAGATGGAGTTTCGCTCTTGTTGCCCAGGCT[G>A]GAGTACAATGGCGTGATCTCAGCTCACCACAACCTCCGCCTTCAGGGTTCAAGTGATTCT-3'

ClinVar aggregate classification (germline): Likely benign (1 of 4 stars; one submission).

Submission:

CeGaT Center for Human Genetics Tuebingen
Classification: Likely benign. Last evaluated: 2024-02-01. Review status: criteria provided, single submitter. Criteria: CeGaT Center For Human Genetics Tuebingen Variant Classification Criteria Version 2. Collection method: clinical testing. Allele origin: germline. Affected: yes. Observed: 1 variant allele.
Comment: RNASEH2B: PM2:Supporting, BP4, BP7